The following is an entry in ClinVar:

ClinVar aggregate classification (germline): Uncertain significance (1 of 4 stars; one submission).

Conditions:
Alstrom syndrome (ALMS). Identifiers: Orphanet 64, MedGen C0268425, MONDO:0008763, OMIM 203800.

Submission:

Labcorp Genetics (formerly Invitae), Labcorp
Classification: Uncertain significance for Alstrom syndrome. Last evaluated: 2022-05-16. Review status: criteria provided, single submitter. Criteria: Invitae Variant Classification Sherloc (09022015). Collection method: clinical testing. Allele origin: germline.
Comment: In summary, the available evidence is currently insufficient to determine the role of this variant in disease. Therefore, it has been classified as a Variant of Uncertain Significance. Experimental studies and prediction algorithms are not available or were not evaluated, and the functional significance of this variant is currently unknown. This variant has not been reported in the literature in individuals affected with ALMS1-related conditions. This variant is not present in population databases (gnomAD no frequency). This sequence change replaces glutamine, which is neutral and polar, with leucine, which is neutral and non-polar, at codon 2062 of the ALMS1 protein (p.Gln2062Leu).

NM_001378454.1(ALMS1):c.6182A>T (p.Gln2061Leu)

Gene: ALMS1 (ALMS1 centrosome and basal body associated protein; plus strand). Cytogenetic location: 2p13.1.
Variant type: single nucleotide variant.
Coding change: c.6182A>T on transcript NM_001378454.1 (MANE Select); coding-DNA position 6182, A replaced by T.
Protein change: p.Gln2061Leu; replaces glutamine 2061 with leucine.
Molecular consequence: missense variant.
Genome position (GRCh38, 1-based): chr2:73,452,709, A>T. VCF-style: chr2-73452709-A-T. GRCh37 (hg19) VCF-style: chr2-73679836-A-T.
Other names: c.6185A>T, p.Gln2062Leu (NM_015120.4); short protein forms Q2062L, Q2061L.
Identifiers: ClinVar variation 1995168 (VCV001995168.4), dbSNP rs2466108231, ClinGen allele CA347285205.